The following is an entry in ClinVar:

NM_007294.4(BRCA1):c.3604del (p.Tyr1202fs)

Genes: BRCA1 (BRCA1 DNA repair associated; minus strand), LOC126862571 (BRD4-independent group 4 enhancer GRCh37_chr17:41243136-41244335; plus strand). Cytogenetic location: 17q21.31.
Variant type: Deletion.
Coding change: c.3604del on transcript NM_007294.4 (MANE Select); coding-DNA position 3604, one base deleted (T; older notation c.3604delT).
Protein change: p.Tyr1202fs; shifts the reading frame from tyrosine 1202.
Molecular consequence: frameshift variant. On other transcripts: intron variant (135).
Genome position (GRCh38, 1-based): chr17:43,091,927, A deleted on the plus strand (T on the coding strand, the reverse complement: BRCA1 is on the minus strand); the first of 2 consecutive A bases (chr17:43,091,927-43,091,928); deleting either gives the same sequence. VCF-style (leftmost placement, unchanged base first): chr17-43091926-TA-T. GRCh37 (hg19) VCF-style: chr17-41243943-TA-T.
Other names: 3723delT(stop1209); c.785-895del (NM_001408401.1, NM_001408396.1, NM_001407985.1 and 13 more transcripts); c.548-895del (NM_001408494.1); c.665-895del (NM_001408444.1, NM_001408438.1, NM_001408430.1 and 12 more transcripts); c.671-895del (NM_001408423.1, NM_001408420.1, NM_001408419.1 and 2 more transcripts); c.788-895del (NM_001408404.1, NM_001408472.1, NM_001407990.1 and 17 more transcripts); c.578-895del (NM_001408492.1, NM_001408513.1, NM_001408489.1 and 9 more transcripts); c.644-895del (NM_001408468.1, NM_001408465.1, NM_001408463.1 and 3 more transcripts); and 43 more; short protein forms Y1155fs, Y1202fs, Y1034fs, Y1132fs, Y1135fs, Y1175fs, Y1074fs, Y1075fs.
Identifiers: ClinVar variation 266391 (VCV000266391.8), dbSNP rs886040150, ClinGen allele CA10589735.

ClinVar aggregate classification (germline): Pathogenic. Review status: reviewed by expert panel (3 of 4 stars). 4 submissions from 4 submitters: Pathogenic (1). 3 of the submissions do not count toward it. Last evaluated 2016-10-18.

Conditions:
Breast-ovarian cancer, familial, susceptibility to, 1 (BROVCA1). Also called: BRCA1 Hereditary Breast and Ovarian Cancer; OVARIAN CANCER, SUSCEPTIBILITY TO. Identifiers: Orphanet 145, MedGen C2676676, MONDO:0011450, OMIM 604370. Disease mechanism: loss of function.

Submissions (4):

Evidence-based Network for the Interpretation of Germline Mutant Alleles (ENIGMA)
Classification: Pathogenic for Breast-ovarian cancer, familial, susceptibility to, 1. Last evaluated: 2016-10-18. Review status: reviewed by expert panel. Criteria: ENIGMA BRCA1/2 Classification Criteria (2015). Collection method: curation. Allele origin: germline.
Comment: Variant allele predicted to encode a truncated non-functional protein.

Clinical Genetics and Genomics, Karolinska University Hospital
Classification: Pathogenic. Last evaluated: 2018-11-06. Review status: criteria provided, single submitter. Criteria: ACMG Guidelines, 2015. Collection method: clinical testing. Allele origin: germline. Affected: yes. Observed: 1 variant allele. Not counted in ClinVar's aggregate classification.

Consortium of Investigators of Modifiers of BRCA1/2 (CIMBA), c/o University of Cambridge
Classification: Pathogenic for Breast-ovarian cancer, familial, susceptibility to, 1. Last evaluated: 2015-10-02. Review status: criteria provided, single submitter. Criteria: CIMBA Mutation Classification guidelines May 2016. Collection method: clinical testing. Allele origin: germline. Not counted in ClinVar's aggregate classification.

BRCAlab, Lund University
Classification: Pathogenic for Breast-ovarian cancer, familial, susceptibility to, 1. Last evaluated: 2020-03-02. Review status: no assertion criteria provided. Collection method: clinical testing. Allele origin: germline. Affected: yes. Not counted in ClinVar's aggregate classification.